The following is an entry in ClinVar:

ClinVar aggregate classification (germline): Uncertain significance. Review status: reviewed by expert panel (3 of 4 stars). 2 submissions from 2 submitters: Uncertain significance (1). 1 of the submissions does not count toward it. Last evaluated 2024-12-09.

Conditions:
Mitochondrial disease. Also called: Mitochondrial disorder; Mitochondrial disorders. Identifiers: Orphanet 68380, MedGen C0751651, MeSH D028361, MONDO:0044970.
MELAS syndrome (MELAS). Also called: Juvenile myopathy, encephalopathy, lactic acidosis, stroke. Identifiers: Orphanet 550, MedGen C0162671, MONDO:0010789, OMIM 540000.

Submissions (2):

ClinGen Mitochondrial Disease Nuclear and Mitochondrial  Variant Curation Expert Panel, ClinGen
Classification: Uncertain significance for Mitochondrial disease. Last evaluated: 2024-12-09. Review status: reviewed by expert panel. Criteria: clingen mito disease acmg specifications v1-1. Collection method: curation. Allele origin: germline. Inheritance: Mitochondrial inheritance.
Comment: The m.3288A>G variant in MT-TL1 has been reported in one family to date, and several family members were affected with primary mitochondrial disease (PMID: 10402027). Clinical features seen in affected individuals included mitochondrial encephalomyopathy with lactic acidosis and stroke-like episodes (MELAS), respiratory failure requiring tracheostomy, myopathy, neuropathy, migraines, gastroparesis, lipoma, ptosis, and mood disorder. COX-negative and ragged red fibers were seen on muscle biopsy. The variant has further segregated with disease manifestations in this family (PP1_moderate). This variant is absent in the GenBank dataset, Helix dataset, and gnomAD v3.1.2 (PM2_supporting). In silico predictors are conflicting as the computational predictor MitoTIP suggests this variant is benign (36.1 percentile) but HmtVAR predicts it to be pathogenic with a score of 0.35. In summary, this variant meets criteria to be classified as uncertain significance for primary mitochondrial disease inherited in a mitochondrial manner. This classification was approved by the NICHD/NINDS U24 ClinGen Mitochondrial Disease Variant Curation Expert Panel on December 9, 2024. Mitochondrial DNA-specific ACMG/AMP criteria applied (PMID: 32906214): PM2_supporting, PP1_moderate.

Wong Mito Lab, Molecular and Human Genetics, Baylor College of Medicine
Classification: Likely pathogenic for MELAS syndrome. Last evaluated: 2019-07-12. Review status: criteria provided, single submitter. Criteria: Modified ACMG Guidelines (Unpublished). Collection method: clinical testing. Allele origin: germline. Not counted in ClinVar's aggregate classification.
Comment: The NC_012920.1:m.3288A>G variant in MT-TL1 gene is interpreted to be a Likely Pathogenic variant based on the modified ACMG guidelines (unpublished). This variant meets the following evidence codes reported in the guidelines: PM8, PM9, PP4, PP6

Literature cited by the submitters: PubMed 31965079 (cited by Wong Mito Lab, Molecular and Human Genetics, Baylor College of Medicine).

NC_012920.1(MT-TL1):m.3288A>G

Gene: MT-TL1 (mitochondrially encoded tRNA leucine 1 (UUA/G); plus strand).
Variant type: single nucleotide variant.
Genome position: chrM-3288-A-G.
Identifiers: ClinVar variation 689870 (VCV000689870.1), dbSNP rs1603218872, ClinGen allele CA913169128.
Genomic context (GRCh38, chrMT:3,288, plus strand): 5'-TTGTTAAGATGGCAGAGCCCGGTAATCGCATAAAACTTAAAACTTTACAGTCAGAGGTTC[A>G]ATTCCTCTTCTTAACAACATACCCATGGCCAACCTCCTACTCCTCATTGTACCCATTCTA-3'